The following is an entry in ClinVar:

ClinVar aggregate classification (germline): Uncertain significance. Review status: criteria provided, multiple submitters, no conflicts (2 of 4 stars). 2 submissions from 2 submitters: Uncertain significance (2). Last evaluated 2022-02-17.

Conditions:
Epidermolysis bullosa simplex 3, localized or generalized intermediate, with BP230 deficiency (EBS3). Also called: Epidermolysis bullosa simplex due to BP230 deficiency; Epidermolysis bullosa simplex, autosomal recessive 2. Identifiers: Orphanet 412181, MedGen C3809470, MONDO:0014180, OMIM 615425.
Hereditary sensory and autonomic neuropathy type 6. Also called: HSAN VI; Neuropathy, hereditary sensory and autonomic, type VI. Identifiers: Orphanet 314381, MedGen C3539003, MONDO:0013839, OMIM 614653.
Inborn genetic diseases. Identifiers: MedGen C0950123, MeSH D030342.

Allele frequency attached by ClinVar (database versions not stated): gnomAD exomes below 0.00001; TOPMed below 0.00001; gnomAD 0.00002.
gnomAD v4.1: 5 of 1,612,412 alleles (0.00031%); highest among the groups gnomAD compares: African/African-American, 0.0013%; no homozygotes.

Submissions (2):

Ambry Genetics
Classification: Uncertain significance for Inborn genetic diseases. Last evaluated: 2022-02-17. Review status: criteria provided, single submitter. Criteria: Ambry Variant Classification Scheme 2023. Collection method: clinical testing. Allele origin: germline.
Comment: The p.K3859T variant (also known as c.11576A>C), located in coding exon 63 of the DST gene, results from an A to C substitution at nucleotide position 11576. The lysine at codon 3859 is replaced by threonine, an amino acid with similar properties. This amino acid position is not well conserved in available vertebrate species. In addition, this alteration is predicted to be tolerated by in silico analysis. Since supporting evidence is limited at this time, the clinical significance of this alteration remains unclear.

Labcorp Genetics (formerly Invitae), Labcorp
Classification: Uncertain significance for Epidermolysis bullosa simplex 3, localized or generalized intermediate, with BP230 deficiency; Hereditary sensory and autonomic neuropathy type 6. Last evaluated: 2022-01-11. Review status: criteria provided, single submitter. Criteria: Invitae Variant Classification Sherloc (09022015). Collection method: clinical testing. Allele origin: germline.
Comment: In summary, the available evidence is currently insufficient to determine the role of this variant in disease. Therefore, it has been classified as a Variant of Uncertain Significance. Experimental studies and prediction algorithms are not available or were not evaluated, and the functional significance of this variant is currently unknown. This variant has not been reported in the literature in individuals affected with DST-related conditions. This variant is present in population databases (no rsID available, gnomAD 0.004%). This sequence change replaces lysine, which is basic and polar, with threonine, which is neutral and polar, at codon 3355 of the DST protein (p.Lys3355Thr). The DST gene has multiple clinically relevant transcripts. This variant occurs in alternate transcript NM_015548.4, and corresponds to NM_001723.5:c.*88960A>C in the primary transcript.

NM_001374736.1(DST):c.17933A>C (p.Lys5978Thr)

Gene: DST (dystonin; minus strand). Cytogenetic location: 6p12.1.
Variant type: single nucleotide variant.
Coding change: c.17933A>C on transcript NM_001374736.1 (MANE Select); coding-DNA position 17933, A replaced by C.
Protein change: p.Lys5978Thr; replaces lysine 5978 with threonine.
Molecular consequence: missense variant.
Genome position (GRCh38, 1-based): chr6:56,526,557, T>G on the plus strand (A>C on the coding strand, the complement: DST is on the minus strand). VCF-style: chr6-56526557-T-G. GRCh37 (hg19) VCF-style: chr6-56391355-T-G.
Other names: c.11576A>C, p.Lys3859Thr (NM_001144769.5); c.11162A>C, p.Lys3721Thr (NM_001144770.2); c.17933A>C, p.Lys5978Thr (NM_001374722.1); c.16973A>C, p.Lys5658Thr (NM_001374729.1); c.10715A>C, p.Lys3572Thr (NM_001374730.1); c.17960A>C, p.Lys5987Thr (NM_001374734.1); c.11042A>C, p.Lys3681Thr (NM_001386100.1, NM_183380.4); c.10064A>C, p.Lys3355Thr (NM_015548.5); short protein forms K3572T, K3859T, K5978T, K5987T, K3355T, K3681T, K3721T, K5658T.
Identifiers: ClinVar variation 1735545 (VCV001735545.7), dbSNP rs1253838841, ClinGen allele CA364505991.
Genomic context (GRCh38, chr6:56,526,557, plus strand): 5'-AGCAAAGCACTGCTCACTTCATTAAGGGAGTCCAGTAAGGCTTTGTTGTTCTTAGCTTCC[T>G]TTTTCAGTTCCTGAAAACATACAAATAAGTTAGTAACACTTAAGAGCTTCAACAGACTTT-3'
Protein context (NP_001361665.1, residues 5968-5988): QAQMRPKELK[Lys5978Thr]EAKNNKALLD